The following is an entry in ClinVar:

NM_012471.3(TRPC5):c.273C>T (p.Asn91=)

Gene: TRPC5 (transient receptor potential cation channel subfamily C member 5; minus strand). Cytogenetic location: Xq23.
Variant type: single nucleotide variant.
Coding change: c.273C>T on transcript NM_012471.3 (MANE Select); coding-DNA position 273, C replaced by T.
Protein change: p.Asn91=; no amino-acid change (asparagine 91 retained).
Molecular consequence: synonymous variant.
Genome position (GRCh38, 1-based): chrX:111,952,148, G>A on the plus strand (C>T on the coding strand, the complement: TRPC5 is on the minus strand). VCF-style: chrX-111952148-G-A. GRCh37 (hg19) VCF-style: chrX-111195376-G-A.
Identifiers: ClinVar variation 3353579 (VCV003353579.1).

ClinVar aggregate classification (germline): Likely benign (0 of 4 stars; one submission).

Conditions:
TRPC5-related disorder. Also called: TRPC5-related condition.

gnomAD v4.1: 6 of 1,210,844 alleles (0.0005%); highest among the groups gnomAD compares: African/African-American, 0.01%; no homozygotes.

Submission:

PreventionGenetics, part of Exact Sciences
Classification: Likely benign for TRPC5-related condition. Last evaluated: 2023-12-26. Review status: no assertion criteria provided. Collection method: clinical testing. Allele origin: germline.
Comment: This variant is classified as likely benign based on ACMG/AMP sequence variant interpretation guidelines (Richards et al. 2015 PMID: 25741868, with internal and published modifications).